The following is an entry in ClinVar:

NM_001081.4(CUBN):c.1952G>A (p.Arg651Gln)

Gene: CUBN (cubilin; minus strand). Cytogenetic location: 10p13.
Variant type: single nucleotide variant.
Coding change: c.1952G>A on transcript NM_001081.4 (MANE Select); coding-DNA position 1952, G replaced by A.
Protein change: p.Arg651Gln; replaces arginine 651 with glutamine.
Molecular consequence: missense variant.
Genome position (GRCh38, 1-based): chr10:17,085,755, C>T on the plus strand (G>A on the coding strand, the complement: CUBN is on the minus strand). VCF-style: chr10-17085755-C-T. GRCh37 (hg19) VCF-style: chr10-17127754-C-T.
Other names: short protein forms R651Q.
Identifiers: ClinVar variation 2045085 (VCV002045085.5), dbSNP rs377078812, ClinGen allele CA5425138.

ClinVar aggregate classification (germline): Uncertain significance. Review status: criteria provided, multiple submitters, no conflicts (2 of 4 stars). 2 submissions from 2 submitters: Uncertain significance (2). Last evaluated 2024-03-20.

Conditions:
Imerslund-Grasbeck syndrome type 1 (IGS1). Also called: Imerslund-Gräsbeck syndrome 1; Megaloblastic anemia 1, Finnish type; MEGALOBLASTIC ANEMIA, 1. Identifiers: MedGen C4016819, MONDO:0100156, OMIM 261100.
Proteinuria, chronic benign. Identifiers: MedGen C5394384, MONDO:0030042, OMIM 618884.
Imerslund-Grasbeck syndrome. Also called: ENTEROCYTE COBALAMIN MALABSORPTION; ENTEROCYTE INTRINSIC FACTOR RECEPTOR, DEFECT OF; PERNICIOUS ANEMIA, JUVENILE, DUE TO SELECTIVE INTESTINAL MALABSORPTION OF VITAMIN B12, WITH PROTEINURIA; Imerslund-Gräsbeck syndrome; Megaloblastic anemia due to inborn errors of metabolism. Identifiers: Orphanet 35858, MedGen C4551825, MONDO:0009853.

Allele frequency attached by ClinVar (database versions not stated): gnomAD exomes 0.00001; TOPMed 0.00001; ExAC 0.00002; gnomAD 0.00001; ESP Exome Variant Server 0.00008.
gnomAD v4.1: 14 of 1,613,544 alleles (0.00087%); highest among the groups gnomAD compares: South Asian, 0.0044%; no homozygotes.

Submissions (2):

Fulgent Genetics
Classification: Uncertain significance for Imerslund-Grasbeck syndrome type 1; Proteinuria, chronic benign. Last evaluated: 2024-03-20. Review status: criteria provided, single submitter. Criteria: ACMG Guidelines, 2015. Collection method: clinical testing. Allele origin: germline.

Labcorp Genetics (formerly Invitae), Labcorp
Classification: Uncertain significance for Imerslund-Grasbeck syndrome. Last evaluated: 2022-06-16. Review status: criteria provided, single submitter. Criteria: Invitae Variant Classification Sherloc (09022015). Collection method: clinical testing. Allele origin: germline.
Comment: In summary, the available evidence is currently insufficient to determine the role of this variant in disease. Therefore, it has been classified as a Variant of Uncertain Significance. Algorithms developed to predict the effect of missense changes on protein structure and function output the following: SIFT: "Tolerated"; PolyPhen-2: "Possibly Damaging"; Align-GVGD: "Class C0". The glutamine amino acid residue is found in multiple mammalian species, which suggests that this missense change does not adversely affect protein function. This variant has not been reported in the literature in individuals affected with CUBN-related conditions. This variant is present in population databases (rs377078812, gnomAD 0.007%). This sequence change replaces arginine, which is basic and polar, with glutamine, which is neutral and polar, at codon 651 of the CUBN protein (p.Arg651Gln).